The following is an entry in ClinVar:

ClinVar aggregate classification (germline): Conflicting classifications of pathogenicity. Review status: criteria provided, conflicting classifications (1 of 4 stars). 2 submissions from 2 submitters: Uncertain significance (1); Likely benign (1). Last evaluated 2026-03-11.

Conditions:
Familial thoracic aortic aneurysm and aortic dissection (TAAD). Also called: Thoracic aortic aneurysms and dissections. Identifiers: Orphanet 91387, MedGen C4707243, MONDO:0019625.
Adams-Oliver syndrome 5 (AOS5). Identifiers: Orphanet 974, MedGen C4014970, MONDO:0014459, OMIM 616028.

gnomAD v4.1: 1 of 1,612,052 alleles (0.000062%); no homozygotes.

Submissions (2):

Ambry Genetics
Classification: Uncertain significance for Familial thoracic aortic aneurysm and aortic dissection. Last evaluated: 2026-03-11. Review status: criteria provided, single submitter. Criteria: Ambry Variant Classification Scheme 2023. Collection method: clinical testing. Allele origin: germline.
Comment: The p.S1951N variant (also known as c.5852G>A), located in coding exon 31 of the NOTCH1 gene, results from a G to A substitution at nucleotide position 5852. The serine at codon 1951 is replaced by asparagine, an amino acid with highly similar properties. This amino acid position is conserved. In addition, this alteration is predicted to be tolerated by in silico analysis. Based on the available evidence, the clinical significance of this variant remains unclear.

Labcorp Genetics (formerly Invitae), Labcorp
Classification: Likely benign for Adams-Oliver syndrome 5. Last evaluated: 2025-06-17. Review status: criteria provided, single submitter. Criteria: Invitae Variant Classification Sherloc (09022015). Collection method: clinical testing. Allele origin: germline.

NM_017617.5(NOTCH1):c.5852G>A (p.Ser1951Asn)

Gene: NOTCH1 (notch receptor 1; minus strand). Cytogenetic location: 9q34.3.
Variant type: single nucleotide variant.
Coding change: c.5852G>A on transcript NM_017617.5 (MANE Select); coding-DNA position 5852, G replaced by A.
Protein change: p.Ser1951Asn; replaces serine 1951 with asparagine.
Molecular consequence: missense variant.
Genome position (GRCh38, 1-based): chr9:136,500,634, C>T on the plus strand (G>A on the coding strand, the complement: NOTCH1 is on the minus strand). VCF-style: chr9-136500634-C-T. GRCh37 (hg19) VCF-style: chr9-139395086-C-T.
Other names: c.5852G>A (NM_017617.3); short protein forms S1951N.
Identifiers: ClinVar variation 4742073 (VCV004742073.2).